The following is an entry in ClinVar:

ClinVar aggregate classification (germline): Uncertain significance (1 of 4 stars; one submission).

Submission:

Ambry Genetics
Classification: Uncertain significance. Last evaluated: 2022-12-16. Review status: criteria provided, single submitter. Criteria: Ambry Variant Classification Scheme 2023. Collection method: clinical testing. Allele origin: germline.
Comment: The p.T4I variant (also known as c.11C>T), located in coding exon 1 of the PALLD gene, results from a C to T substitution at nucleotide position 11. The threonine at codon 4 is replaced by isoleucine, an amino acid with similar properties. This amino acid position is conserved. In addition, this alteration is predicted to be tolerated by in silico analysis. Since supporting evidence is limited at this time, the clinical significance of this alteration remains unclear.

NM_001166108.2(PALLD):c.11C>T (p.Thr4Ile)

Gene: PALLD (palladin, cytoskeletal associated protein; plus strand). Cytogenetic location: 4q32.3.
Variant type: single nucleotide variant.
Coding change: c.11C>T on transcript NM_001166108.2 (MANE Select); coding-DNA position 11, C replaced by T.
Protein change: p.Thr4Ile; replaces threonine 4 with isoleucine.
Molecular consequence: missense variant.
Genome position (GRCh38, 1-based): chr4:168,511,515, C>T. VCF-style: chr4-168511515-C-T. GRCh37 (hg19) VCF-style: chr4-169432666-C-T.
Other names: c.11C>T, p.Thr4Ile (NM_016081.4); short protein forms T4I.
Identifiers: ClinVar variation 2448461 (VCV002448461.2), dbSNP rs2531426704, ClinGen allele CA358723933.